The following is an entry in ClinVar:

NM_001844.5(COL2A1):c.2078G>A (p.Gly693Asp)

Gene: COL2A1 (collagen type II alpha 1 chain; minus strand). Cytogenetic location: 12q13.11.
Variant type: single nucleotide variant.
Coding change: c.2078G>A on transcript NM_001844.5 (MANE Select); coding-DNA position 2078, G replaced by A.
Protein change: p.Gly693Asp; replaces glycine 693 with aspartic acid.
Molecular consequence: missense variant.
Genome position (GRCh38, 1-based): chr12:47,983,109, C>T on the plus strand (G>A on the coding strand, the complement: COL2A1 is on the minus strand). VCF-style: chr12-47983109-C-T. GRCh37 (hg19) VCF-style: chr12-48376892-C-T.
Other names: c.1871G>A, p.Gly624Asp (NM_033150.3); short protein forms G693D, G624D.
Identifiers: ClinVar variation 1516523 (VCV001516523.6), dbSNP rs2136552735, ClinGen allele CA384547480.

ClinVar aggregate classification (germline): Likely pathogenic (1 of 4 stars; one submission).

Submission:

Labcorp Genetics (formerly Invitae), Labcorp
Classification: Likely pathogenic. Last evaluated: 2021-08-09. Review status: criteria provided, single submitter. Criteria: Invitae Variant Classification Sherloc (09022015). Collection method: clinical testing. Allele origin: germline.
Comment: This variant has not been reported in the literature in individuals affected with COL2A1-related conditions. Advanced modeling of protein sequence and biophysical properties (such as structural, functional, and spatial information, amino acid conservation, physicochemical variation, residue mobility, and thermodynamic stability) performed at Invitae indicates that this missense variant is expected to disrupt COL2A1 protein function. This variant disrupts the triple helix domain of COL2A1. Glycine residues within the Gly-Xaa-Yaa repeats of the triple helix domain are required for the structure and stability of fibrillar collagens (PMID: 7695699, 8218237, 19344236). In COL2A1, variants affecting these glycine residues are significantly enriched in individuals with disease (PMID: 9016532, 17078022) compared to the general population (ExAC). In summary, the currently available evidence indicates that the variant is pathogenic, but additional data are needed to prove that conclusively. Therefore, this variant has been classified as Likely Pathogenic. This sequence change replaces glycine with aspartic acid at codon 693 of the COL2A1 protein (p.Gly693Asp). The glycine residue is highly conserved and there is a moderate physicochemical difference between glycine and aspartic acid. This variant is not present in population databases (ExAC no frequency).

Literature cited by the submitters: PubMed 7695699; PubMed 8218237; PubMed 19344236; PubMed 9016532; PubMed 17078022.